The following is an entry in ClinVar:

NM_000360.4(TH):c.1442G>T (p.Gly481Val)

Gene: TH (tyrosine hydroxylase; minus strand). Cytogenetic location: 11p15.5.
Variant type: single nucleotide variant.
Coding change: c.1442G>T on transcript NM_000360.4 (MANE Select); coding-DNA position 1442, G replaced by T.
Protein change: p.Gly481Val; replaces glycine 481 with valine.
Molecular consequence: missense variant.
Genome position (GRCh38, 1-based): chr11:2,164,285, C>A on the plus strand (G>T on the coding strand, the complement: TH is on the minus strand). VCF-style: chr11-2164285-C-A. GRCh37 (hg19) VCF-style: chr11-2185515-C-A.
Other names: c.1535G>T, p.Gly512Val (NM_199292.3); c.1523G>T, p.Gly508Val (NM_199293.3); short protein forms G508V, G512V, G481V.
Identifiers: ClinVar variation 1445739 (VCV001445739.3), dbSNP rs564949885, ClinGen allele CA379124146.
Genomic context (GRCh38, chr11:2,164,285, plus strand): 5'-CCGTGCACCTAGCCAATGGCACTCAGCGCATGGGCAAGGGTGTCCAGCTCATCCTGGACA[C>A]CCTCCAGGGAGCGCCGCACGGCCTGGGGGCTGTCCAGCACGTCGATGGCCAGCGTGTACG-3'
Protein context (NP_000351.2, residues 471-491): SPQAVRRSLE[Gly481Val]VQDELDTLAH

ClinVar aggregate classification (germline): Uncertain significance (1 of 4 stars; one submission).

Conditions:
TH-deficient dopa-responsive dystonia. Also called: Tyrosine Hydroxylase-Deficient Dopa-Responsive Dystonia; Segawa syndrome, autosomal recessive; DYT-TH. Identifiers: Orphanet 101150, MedGen C2673535, MONDO:0011551, OMIM 605407.

Submission:

Labcorp Genetics (formerly Invitae), Labcorp
Classification: Uncertain significance for TH-deficient dopa-responsive dystonia. Last evaluated: 2022-03-30. Review status: criteria provided, single submitter. Criteria: Invitae Variant Classification Sherloc (09022015). Collection method: clinical testing. Allele origin: germline.
Comment: This sequence change replaces glycine, which is neutral and non-polar, with valine, which is neutral and non-polar, at codon 512 of the TH protein (p.Gly512Val). This variant is not present in population databases (gnomAD no frequency). This variant has not been reported in the literature in individuals affected with TH-related conditions. Advanced modeling of protein sequence and biophysical properties (such as structural, functional, and spatial information, amino acid conservation, physicochemical variation, residue mobility, and thermodynamic stability) performed at Invitae indicates that this missense variant is not expected to disrupt TH protein function. In summary, the available evidence is currently insufficient to determine the role of this variant in disease. Therefore, it has been classified as a Variant of Uncertain Significance.